The following is an entry in ClinVar:

NM_001008216.2(GALE):c.382G>A (p.Val128Met)

Gene: GALE (UDP-galactose-4-epimerase; minus strand). Cytogenetic location: 1p36.11.
Variant type: single nucleotide variant.
Coding change: c.382G>A on transcript NM_001008216.2 (MANE Select); coding-DNA position 382, G replaced by A.
Protein change: p.Val128Met; replaces valine 128 with methionine.
Molecular consequence: missense variant.
Genome position (GRCh38, 1-based): chr1:23,797,841, C>T on the plus strand (G>A on the coding strand, the complement: GALE is on the minus strand). VCF-style: chr1-23797841-C-T. GRCh37 (hg19) VCF-style: chr1-24124331-C-T.
Other names: c.382G>A, p.Val128Met (NM_000403.4, NM_001127621.2); short protein forms V128M.
Identifiers: ClinVar variation 596687 (VCV000596687.16), dbSNP rs778887800, ClinGen allele CA685672.

ClinVar aggregate classification (germline): Uncertain significance. Review status: criteria provided, multiple submitters, no conflicts (2 of 4 stars). 6 submissions from 6 submitters: Uncertain significance (5). 1 of the submissions does not count toward it. Last evaluated 2024-06-05.

Conditions:
Thrombocytopenia 13, syndromic. Also called: THROMBOCYTOPENIA, AUTOSOMAL RECESSIVE, 13. Identifiers: MedGen C5935599, MONDO:0958333, OMIM 620776.
UDPglucose-4-epimerase deficiency. Also called: Epimerase Deficiency Galactosemia; UDP-GALACTOSE-4-EPIMERASE DEFICIENCY; Galactose epimerase deficiency; GALACTOSEMIA III; GALE DEFICIENCY; UDPglucose 4-Epimerase Deficiency Disease. Identifiers: Orphanet 352, Orphanet 79238, MedGen C0751161, MONDO:0009257, OMIM 230350.

Allele frequency attached by ClinVar (database versions not stated): gnomAD exomes below 0.00001 and 0.00001; ExAC 0.00002; TOPMed 0.00003.
gnomAD v4.1: 6 of 1,614,210 alleles (0.00037%); highest among the groups gnomAD compares: Admixed American, 0.005%; no homozygotes.

Submissions (6):

Women's Health and Genetics/Laboratory Corporation of America, LabCorp
Classification: Uncertain significance. Last evaluated: 2024-06-05. Review status: criteria provided, single submitter. Criteria: LabCorp Variant Classification Summary - May 2015. Collection method: clinical testing. Allele origin: germline.
Comment: Variant summary: GALE c.382G>A (p.Val128Met) results in a conservative amino acid change located in the NAD(P)-binding domain (IPR016040) of the encoded protein sequence. Four of five in-silico tools predict a damaging effect of the variant on protein function. The variant allele was found at a frequency of 1.2e-05 in 251422 control chromosomes. The available data on variant occurrences in the general population are insufficient to allow any conclusion about variant significance. c.382G>A has been reported in the literature in at least one compound heterozygous individual affected with syndromic thrombocytopenia (e.g., Marin-Quilez_2023). These data do not allow any conclusion about variant significance. To our knowledge, no experimental evidence demonstrating an impact on protein function has been reported. The following publication has been ascertained in the context of this evaluation (PMID: 36395340). ClinVar contains an entry for this variant (Variation ID: 596687). Based on the evidence outlined above, the variant was classified as uncertain significance.

Labcorp Genetics (formerly Invitae), Labcorp
Classification: Uncertain significance for UDPglucose-4-epimerase deficiency. Last evaluated: 2022-06-28. Review status: criteria provided, single submitter. Criteria: Invitae Variant Classification Sherloc (09022015). Collection method: clinical testing. Allele origin: germline.
Comment: This sequence change replaces valine, which is neutral and non-polar, with methionine, which is neutral and non-polar, at codon 128 of the GALE protein (p.Val128Met). This variant is present in population databases (rs778887800, gnomAD 0.006%). This missense change has been observed in individual(s) with clinical features of epimerase deficiency galactosemia (Invitae). ClinVar contains an entry for this variant (Variation ID: 596687). Algorithms developed to predict the effect of missense changes on protein structure and function are either unavailable or do not agree on the potential impact of this missense change (SIFT: "Deleterious"; PolyPhen-2: "Possibly Damaging"; Align-GVGD: "Class C0"). In summary, the available evidence is currently insufficient to determine the role of this variant in disease. Therefore, it has been classified as a Variant of Uncertain Significance.

GeneDx
Classification: Uncertain significance. Last evaluated: 2019-09-30. Review status: criteria provided, single submitter. Criteria: GeneDx Variant Classification Process June 2021. Collection method: clinical testing. Allele origin: germline. Affected: yes.
Comment: In silico analysis, which includes protein predictors and evolutionary conservation, supports a deleterious effect; Has not been previously published as pathogenic or benign to our knowledge

Eurofins Ntd Llc (ga)
Classification: Uncertain significance. Last evaluated: 2018-03-23. Review status: criteria provided, single submitter. Criteria: EGL ClinVar v180209 classification definitions. Collection method: clinical testing. Allele origin: germline. Observed: 1 variant allele, 1 heterozygote.

Breakthrough Genomics
Classification: Uncertain significance. Review status: criteria provided, single submitter. Criteria: ACMG Guidelines, 2015. Collection method: not provided. Allele origin: germline. Inheritance: Autosomal recessive inheritance. Affected: yes.

OMIM
Classification: Pathogenic for THROMBOCYTOPENIA 13, SYNDROMIC. Last evaluated: 2024-04-05. Review status: no assertion criteria provided. Collection method: literature only. Allele origin: germline. Not counted in ClinVar's aggregate classification.

Literature cited by the submitters: PubMed 36395340 (cited by Women's Health and Genetics/Laboratory Corporation of America, LabCorp and OMIM).